The following is an entry in ClinVar:

ClinVar aggregate classification (germline): Benign/Likely benign. Review status: criteria provided, multiple submitters, no conflicts (2 of 4 stars). 3 submissions from 3 submitters: Benign (1); Likely benign (1). 1 of the submissions does not count toward it. Last evaluated 2026-01-26.

Conditions:
PHKA2-related disorder. Also called: PHKA2-related condition.
Glycogen storage disease IXa1. Also called: Glycogen storage disease 8; GLYCOGEN STORAGE DISEASE VIII; GSD VIII; LIVER GLYCOGENOSIS, X-LINKED, TYPE I. Identifiers: Orphanet 264580, MedGen C3694531, MONDO:0010598, OMIM 306000.

Allele frequency attached by ClinVar (database versions not stated): gnomAD 0.00004 and 0.00019; TOPMed 0.00010; gnomAD exomes 0.00040 and 0.00075; ExAC 0.00098; 1000 Genomes Project 30x 0.00208; 1000 Genomes Project 0.00212.

Submissions (3):

Labcorp Genetics (formerly Invitae), Labcorp
Classification: Benign for Glycogen storage disease IXa1. Last evaluated: 2026-01-26. Review status: criteria provided, single submitter. Criteria: Invitae Variant Classification Sherloc (09022015). Collection method: clinical testing. Allele origin: germline.

Blueprint Genetics
Classification: Likely benign. Last evaluated: 2024-11-19. Review status: criteria provided, single submitter. Criteria: ACMG Guidelines, 2015. Collection method: clinical testing. Allele origin: germline.

PreventionGenetics, part of Exact Sciences
Classification: Likely benign for PHKA2-related condition. Last evaluated: 2019-09-12. Review status: no assertion criteria provided. Collection method: clinical testing. Allele origin: germline. Not counted in ClinVar's aggregate classification.
Comment: This variant is classified as likely benign based on ACMG/AMP sequence variant interpretation guidelines (Richards et al. 2015 PMID: 25741868, with internal and published modifications).

NM_000292.3(PHKA2):c.3327G>A (p.Thr1109=)

Gene: PHKA2 (phosphorylase kinase regulatory subunit alpha 2; minus strand). Cytogenetic location: Xp22.13.
Variant type: single nucleotide variant.
Coding change: c.3327G>A on transcript NM_000292.3 (MANE Select); coding-DNA position 3327, G replaced by A.
Protein change: p.Thr1109=; no amino-acid change (threonine 1109 retained).
Molecular consequence: synonymous variant.
Genome position (GRCh38, 1-based): chrX:18,895,147, C>T on the plus strand (G>A on the coding strand, the complement: PHKA2 is on the minus strand). VCF-style: chrX-18895147-C-T. GRCh37 (hg19) VCF-style: chrX-18913265-C-T.
Other names: c.3327G>A (NM_000292.2).
Identifiers: ClinVar variation 1542442 (VCV001542442.11), dbSNP rs768419165, ClinGen allele CA10361344.